The following is an entry in ClinVar:

NM_001388492.1(HTT):c.3709C>A (p.Leu1237Ile)

Gene: HTT (huntingtin; plus strand). Cytogenetic location: 4p16.3.
Variant type: single nucleotide variant.
Coding change: c.3709C>A on transcript NM_001388492.1 (MANE Select); coding-DNA position 3709, C replaced by A.
Protein change: p.Leu1237Ile; replaces leucine 1237 with isoleucine.
Molecular consequence: missense variant.
Genome position (GRCh38, 1-based): chr4:3,157,155, C>A. VCF-style: chr4-3157155-C-A. GRCh37 (hg19) VCF-style: chr4-3158882-C-A.
Other names: c.3715C>A, p.Leu1239Ile (NM_002111.8); short protein forms L1237I, L1239I.
Identifiers: ClinVar variation 1033481 (VCV001033481.8), dbSNP rs188342053, ClinGen allele CA2824213.

ClinVar aggregate classification (germline): Uncertain significance. Review status: criteria provided, multiple submitters, no conflicts (2 of 4 stars). 3 submissions from 3 submitters: Uncertain significance (3). Last evaluated 2023-10-02.

Conditions:
Lopes-Maciel-Rodan syndrome (LOMARS). Identifiers: MedGen C4479491, MONDO:0054573, OMIM 617435.

Allele frequency attached by ClinVar (database versions not stated): gnomAD exomes 0.00002 and 0.00009; gnomAD 0.00009 and 0.00010; ExAC 0.00012; 1000 Genomes Project 30x 0.00016; TOPMed 0.00016; 1000 Genomes Project 0.00020.
gnomAD v4.1: 56 of 1,613,664 alleles (0.0035%); highest among the groups gnomAD compares: Middle Eastern, 0.12%; no homozygotes.

Submissions (3):

Blueprint Genetics
Classification: Uncertain significance. Last evaluated: 2023-10-02. Review status: criteria provided, single submitter. Criteria: ACMG Guidelines, 2015. Collection method: clinical testing. Allele origin: germline.

Labcorp Genetics (formerly Invitae), Labcorp
Classification: Uncertain significance. Last evaluated: 2022-02-08. Review status: criteria provided, single submitter. Criteria: Invitae Variant Classification Sherloc (09022015). Collection method: clinical testing. Allele origin: germline.
Comment: ClinVar contains an entry for this variant (Variation ID: 1033481). This variant has not been reported in the literature in individuals affected with HTT-related conditions. This variant is present in population databases (rs188342053, gnomAD 0.03%). This sequence change replaces leucine, which is neutral and non-polar, with isoleucine, which is neutral and non-polar, at codon 1239 of the HTT protein (p.Leu1239Ile). Experimental studies and prediction algorithms are not available or were not evaluated, and the functional significance of this variant is currently unknown. In summary, the available evidence is currently insufficient to determine the role of this variant in disease. Therefore, it has been classified as a Variant of Uncertain Significance.

Baylor Genetics
Classification: Uncertain significance for Lopes-Maciel-Rodan syndrome. Last evaluated: 2018-01-24. Review status: criteria provided, single submitter. Criteria: ACMG Guidelines, 2015. Collection method: clinical testing. Allele origin: unknown. Affected: yes.
Comment: This variant was determined to be of uncertain significance according to ACMG Guidelines, 2015 [PMID:25741868].